The following is an entry in ClinVar:

NM_000548.5(TSC2):c.5345C>G (p.Ala1782Gly)

Gene: TSC2 (TSC complex subunit 2; plus strand). Cytogenetic location: 16p13.3.
Variant type: single nucleotide variant.
Coding change: c.5345C>G on transcript NM_000548.5 (MANE Select); coding-DNA position 5345, C replaced by G.
Protein change: p.Ala1782Gly; replaces alanine 1782 with glycine.
Molecular consequence: missense variant.
Genome position (GRCh38, 1-based): chr16:2,088,531, C>G. VCF-style: chr16-2088531-C-G. GRCh37 (hg19) VCF-style: chr16-2138532-C-G.
Other names: c.5144C>G, p.Ala1715Gly (NM_001077183.3); c.5276C>G, p.Ala1759Gly (NM_001114382.3); c.5036C>G, p.Ala1679Gly (NM_001318827.2); c.5000C>G, p.Ala1667Gly (NM_001318829.2); c.4613C>G, p.Ala1538Gly (NM_001318831.2); c.5177C>G, p.Ala1726Gly (NM_001318832.2); c.5147C>G, p.Ala1716Gly (NM_001363528.2); c.5213C>G, p.Ala1738Gly (NM_001370404.1); and 2 more; short protein forms A1538G, A1715G, A1726G, A1759G, A1679G, A1735G, A1782G, A1667G.
Identifiers: ClinVar variation 840454 (VCV000840454.11), dbSNP rs2091206453, ClinGen allele CA394315705.

ClinVar aggregate classification (germline): Uncertain significance. Review status: criteria provided, multiple submitters, no conflicts (2 of 4 stars). 3 submissions from 3 submitters: Uncertain significance (3). Last evaluated 2025-06-27.

Conditions:
Tuberous sclerosis 2 (TSC2). Identifiers: Orphanet 805, MedGen C1860707, MONDO:0013199, OMIM 613254.
Hereditary cancer-predisposing syndrome. Also called: Neoplastic Syndromes, Hereditary; Hereditary neoplastic syndrome; Tumor predisposition; Hereditary Cancer Syndrome. Identifiers: Orphanet 140162, MedGen C0027672, MeSH D009386, MONDO:0015356.
Tuberous sclerosis syndrome (TSC). Also called: Tuberous Sclerosis Complex; Tuberous sclerosis. Identifiers: Orphanet 805, MedGen C0041341, MONDO:0001734.

Submissions (3):

Labcorp Genetics (formerly Invitae), Labcorp
Classification: Uncertain significance for Tuberous sclerosis 2. Last evaluated: 2025-06-27. Review status: criteria provided, single submitter. Criteria: Invitae Variant Classification Sherloc (09022015). Collection method: clinical testing. Allele origin: germline.
Comment: This sequence change replaces alanine, which is neutral and non-polar, with glycine, which is neutral and non-polar, at codon 1782 of the TSC2 protein (p.Ala1782Gly). This variant is not present in population databases (gnomAD no frequency). This variant has not been reported in the literature in individuals affected with TSC2-related conditions. ClinVar contains an entry for this variant (Variation ID: 840454). Invitae Evidence Modeling of protein sequence and biophysical properties (such as structural, functional, and spatial information, amino acid conservation, physicochemical variation, residue mobility, and thermodynamic stability) indicates that this missense variant is not expected to disrupt TSC2 protein function with a negative predictive value of 95%. In summary, the available evidence is currently insufficient to determine the role of this variant in disease. Therefore, it has been classified as a Variant of Uncertain Significance.

Ambry Genetics
Classification: Uncertain significance for Hereditary cancer-predisposing syndrome. Last evaluated: 2025-01-24. Review status: criteria provided, single submitter. Criteria: Ambry Variant Classification Scheme 2023. Collection method: clinical testing. Allele origin: germline.
Comment: The p.A1782G variant (also known as c.5345C>G), located in coding exon 41 of the TSC2 gene, results from a C to G substitution at nucleotide position 5345. The alanine at codon 1782 is replaced by glycine, an amino acid with similar properties. This amino acid position is conserved. In addition, the in silico prediction for this alteration is inconclusive. Based on the available evidence, the clinical significance of this variant remains unclear.

All of Us Research Program, National Institutes of Health
Classification: Uncertain significance for Tuberous sclerosis syndrome. Last evaluated: 2024-06-11. Review status: criteria provided, single submitter. Criteria: ACMG Guidelines, 2015. Collection method: clinical testing. Allele origin: germline. Inheritance: Autosomal dominant inheritance. Observed: 1 variant allele, 1 heterozygote.
Comment: This study involves interpretation of variants in research participants for the purpose of population health screening. Participant phenotype was not available at the time of variant classification. Additional details can be found in publication PMID: 35346344, PMCID: PMC8962531